The following is an entry in ClinVar:

ClinVar aggregate classification (germline): Uncertain significance (1 of 4 stars; one submission).

Conditions:
GNAS-related disorder. Identifiers: MedGen CN380105.

Allele frequency attached by ClinVar (database versions not stated): gnomAD exomes below 0.00001; TOPMed below 0.00001; ExAC 0.00001; 1000 Genomes Project 0.00020; 1000 Genomes Project 30x 0.00016.
gnomAD v4.1: 3 of 1,601,042 alleles (0.00019%); highest among the groups gnomAD compares: African/African-American, 0.004%; no homozygotes.

Submission:

PreventionGenetics, part of Exact Sciences
Classification: Uncertain significance for GNAS-related condition. Last evaluated: 2026-01-16. Review status: criteria provided, single submitter. Criteria: ACMG Guidelines, 2015. Collection method: clinical testing. Allele origin: germline.
Comment: The GNAS c.556C>G variant is predicted to result in the amino acid substitution p.Pro186Ala. To our knowledge, this variant has not been reported in the literature. This variant can also be referred to as c.-37906C>G (pre-coding) with the more commonly reported NM_000516 transcript. This variant is reported in 0.0078% of alleles in individuals of African descent in gnomAD. At this time, the clinical significance of this variant is uncertain due to the absence of conclusive functional and genetic evidence.

NM_080425.4(GNAS):c.556C>G (p.Pro186Ala)

Gene: GNAS (GNAS complex locus; plus strand). Cytogenetic location: 20q13.32.
Variant type: single nucleotide variant.
Coding change: c.556C>G on transcript NM_080425.4 (MANE Plus Clinical); coding-DNA position 556, C replaced by G.
Protein change: p.Pro186Ala; replaces proline 186 with alanine.
Molecular consequence: missense variant. On other transcripts: synonymous variant (2), intron variant (3).
Genome position (GRCh38, 1-based): chr20:58,853,821, C>G. VCF-style: chr20-58853821-C-G. GRCh37 (hg19) VCF-style: chr20-57428876-C-G.
Other names: c.369C>G, p.Leu123= (NM_001077490.3, NM_001309883.1); c.556C>G, p.Pro186Ala (NM_001410913.1); c.*42+12935C>G (NM_016592.5); c.43+12935C>G (NM_001410912.1); c.-39+11946C>G (NM_001309861.2); short protein forms P186A.
Identifiers: ClinVar variation 2631718 (VCV002631718.4), dbSNP rs149320326, ClinGen allele CA9926493.
Genomic context (GRCh38, chr20:58,853,821, plus strand): 5'-TTTGACCAGCCTGCCCAGAGAGGCTGCAGTCAACTTCTCTTACAGGTCCCAGACCTTGCT[C>G]CAGGAGGCCCAGGTGCTGCAGGGGTCCCCGGAGCTCCTCCCGAGGAGCCCCAAGCCCTCA-3'
Protein context (NP_536350.2, residues 176-196): QLLLQVPDLA[Pro186Ala]GGPGAAGVPG